The following is an entry in ClinVar:

ClinVar aggregate classification (germline): Uncertain significance (1 of 4 stars; one submission).

Conditions:
Combined immunodeficiency due to LRBA deficiency. Also called: Common variable immunodeficiency 8, with autoimmunity. Identifiers: Orphanet 445018, MedGen C3553512, MONDO:0013863, OMIM 614700.

Allele frequency attached by ClinVar (database versions not stated): gnomAD exomes below 0.00001; ExAC 0.00002.
gnomAD v4.1: 3 of 1,597,446 alleles (0.00019%); highest among the groups gnomAD compares: Middle Eastern, 0.017%; no homozygotes.

Submission:

Labcorp Genetics (formerly Invitae), Labcorp
Classification: Uncertain significance for Combined immunodeficiency due to LRBA deficiency. Last evaluated: 2021-08-28. Review status: criteria provided, single submitter. Criteria: Invitae Variant Classification Sherloc (09022015). Collection method: clinical testing. Allele origin: germline.
Comment: This sequence change replaces arginine with serine at codon 1521 of the LRBA protein (p.Arg1521Ser). The arginine residue is moderately conserved and there is a moderate physicochemical difference between arginine and serine. This variant is present in population databases (rs768287088, ExAC 0.003%). This variant has not been reported in the literature in individuals affected with LRBA-related conditions. Algorithms developed to predict the effect of missense changes on protein structure and function are either unavailable or do not agree on the potential impact of this missense change (SIFT: "Deleterious"; PolyPhen-2: "Probably Damaging"; Align-GVGD: "Class C0"). In summary, the available evidence is currently insufficient to determine the role of this variant in disease. Therefore, it has been classified as a Variant of Uncertain Significance.

NM_001364905.1(LRBA):c.4563A>T (p.Arg1521Ser)

Gene: LRBA (LPS responsive beige-like anchor protein; minus strand). Cytogenetic location: 4q31.3.
Variant type: single nucleotide variant.
Coding change: c.4563A>T on transcript NM_001364905.1 (MANE Select); coding-DNA position 4563, A replaced by T.
Protein change: p.Arg1521Ser; replaces arginine 1521 with serine.
Molecular consequence: missense variant.
Genome position (GRCh38, 1-based): chr4:150,844,106, T>A on the plus strand (A>T on the coding strand, the complement: LRBA is on the minus strand). VCF-style: chr4-150844106-T-A. GRCh37 (hg19) VCF-style: chr4-151765258-T-A.
Other names: c.4563A>T, p.Arg1521Ser (NM_001199282.3, NM_001367550.1, NM_006726.5); short protein forms R1521S.
Identifiers: ClinVar variation 840946 (VCV000840946.7), dbSNP rs768287088, ClinGen allele CA3102728.